The following is an entry in ClinVar:

ClinVar aggregate classification (germline): Uncertain significance (1 of 4 stars; one submission).

Conditions:
Pyridoxine-dependent epilepsy (EPEO4). Also called: Pyridoxine-Dependent Seizures; Pyridoxine-Dependent Epilepsy - ALDH7A1; PYRIDOXINE DEPENDENCY WITH SEIZURES; EPILEPSY, EARLY-ONSET, 4, VITAMIN B6-DEPENDENT. Identifiers: Orphanet 3006, MedGen C1849508, MONDO:0009945, OMIM 266100. Disease mechanism: loss of function.

Submission:

Labcorp Genetics (formerly Invitae), Labcorp
Classification: Uncertain significance for Pyridoxine-dependent epilepsy. Last evaluated: 2024-10-25. Review status: criteria provided, single submitter. Criteria: Invitae Variant Classification Sherloc (09022015). Collection method: clinical testing. Allele origin: germline.
Comment: This sequence change replaces arginine, which is basic and polar, with threonine, which is neutral and polar, at codon 24 of the ALDH7A1 protein (p.Arg24Thr). This variant is not present in population databases (gnomAD no frequency). This variant has not been reported in the literature in individuals affected with ALDH7A1-related conditions. ClinVar contains an entry for this variant (Variation ID: 2112543). Invitae Evidence Modeling of protein sequence and biophysical properties (such as structural, functional, and spatial information, amino acid conservation, physicochemical variation, residue mobility, and thermodynamic stability) indicates that this missense variant is not expected to disrupt ALDH7A1 protein function with a negative predictive value of 95%. In summary, the available evidence is currently insufficient to determine the role of this variant in disease. Therefore, it has been classified as a Variant of Uncertain Significance.

NM_001182.5(ALDH7A1):c.71G>C (p.Arg24Thr)

Gene: ALDH7A1 (aldehyde dehydrogenase 7 family member A1; minus strand). Cytogenetic location: 5q23.2.
Variant type: single nucleotide variant.
Coding change: c.71G>C on transcript NM_001182.5 (MANE Select); coding-DNA position 71, G replaced by C.
Protein change: p.Arg24Thr; replaces arginine 24 with threonine.
Molecular consequence: missense variant. On other transcripts: 5 prime UTR variant (1).
Genome position (GRCh38, 1-based): chr5:126,595,128, C>G on the plus strand (G>C on the coding strand, the complement: ALDH7A1 is on the minus strand). VCF-style: chr5-126595128-C-G. GRCh37 (hg19) VCF-style: chr5-125930820-C-G.
Other names: c.-14G>C (NM_001201377.2); c.71G>C, p.Arg24Thr (NM_001202404.2); short protein forms R24T.
Identifiers: ClinVar variation 2112543 (VCV002112543.3), dbSNP rs2480373010, ClinGen allele CA360733906.